The following is an entry in ClinVar:

NM_000257.4(MYH7):c.3110C>A (p.Ser1037Tyr)

Gene: MYH7 (myosin heavy chain 7; minus strand). Cytogenetic location: 14q11.2.
Variant type: single nucleotide variant.
Coding change: c.3110C>A on transcript NM_000257.4 (MANE Select); coding-DNA position 3110, C replaced by A.
Protein change: p.Ser1037Tyr; replaces serine 1037 with tyrosine.
Molecular consequence: missense variant.
Genome position (GRCh38, 1-based): chr14:23,422,315, G>T on the plus strand (C>A on the coding strand, the complement: MYH7 is on the minus strand). VCF-style: chr14-23422315-G-T. GRCh37 (hg19) VCF-style: chr14-23891524-G-T.
Other names: short protein forms S1037Y.
Identifiers: ClinVar variation 859133 (VCV000859133.23), dbSNP rs1159928168, ClinGen allele CA389045508.

ClinVar aggregate classification (germline): Uncertain significance. Review status: criteria provided, multiple submitters, no conflicts (2 of 4 stars). 10 submissions from 7 submitters: Uncertain significance (10). Last evaluated 2025-06-30.

Conditions:
Hypertrophic cardiomyopathy 1 (CMH1). Also called: MYH7-Related Familial Hypertrophic Cardiomyopathy; Familial hypertrophic cardiomyopathy 1. Identifiers: MedGen C3495498, MONDO:0008647, OMIM 192600.
Dilated cardiomyopathy 1S (CMD1S). Identifiers: Orphanet 154, Orphanet 54260, MedGen C1834481, MONDO:0013262, OMIM 613426.
Myosin storage myopathy (CMYO7A). Also called: MYOPATHY WITH LYSIS OF TYPE I MYOFIBRILS; MYOPATHY, HYALINE BODY, AUTOSOMAL DOMINANT; Scapuloperoneal myopathy, MYH7-related; MYH7-related late-onset scapuloperoneal muscular dystrophy; Congenital myopathy 7A, myosin storage, autosomal dominant; SCAPULOPERONEAL MUSCULAR DYSTROPHY. Identifiers: Orphanet 437572, Orphanet 636965, MedGen C1842160, MONDO:0008409, OMIM 608358.
Myopathy, myosin storage, autosomal recessive (CMYO7B). Also called: CONGENITAL MYOPATHY 7B, MYOSIN STORAGE, AUTOSOMAL RECESSIVE. Identifiers: Orphanet 636970, MedGen C1850709, MONDO:0009708, OMIM 255160.
Congenital myopathy with fiber type disproportion. Also called: Congenital fiber-type disproportion myopathy; Congenital fiber-type disproportion. Identifiers: Orphanet 2020, MedGen C0546264, MONDO:0009711. Inheritance: all.
MYH7-related skeletal myopathy. Also called: Laing distal myopathy; MYOPATHY, DISTAL, EARLY-ONSET, AUTOSOMAL DOMINANT; MYOPATHY, LATE DISTAL HEREDITARY; Myopathy, distal, 1; Laing early-onset distal myopathy. Identifiers: Orphanet 59135, MedGen C4552004, MONDO:0008050, OMIM 160500.
Cardiomyopathy (CMYO). Also called: Cardiomyopathies. Identifiers: Orphanet 167848, MedGen C0878544, MONDO:0004994, HP:0001638. Inheritance: Various modes of inheritance.
Hypertrophic cardiomyopathy. Also called: HYPERTROPHIC MYOCARDIOPATHY. Identifiers: Orphanet 217569, MedGen C0007194, MeSH D002312, MONDO:0005045, HP:0001639.
Cardiovascular phenotype. Identifiers: MedGen CN230736.

Allele frequency attached by ClinVar (database versions not stated): gnomAD exomes below 0.00001; gnomAD 0.00001; TOPMed 0.00001.
gnomAD v4.1: 8 of 1,614,052 alleles (0.0005%); highest among the groups gnomAD compares: Non-Finnish European, 0.00068%; no homozygotes.

Submissions (10):

Color Diagnostics, LLC DBA Color Health
Classification: Uncertain significance for Cardiomyopathy. Last evaluated: 2025-06-30. Review status: criteria provided, single submitter. Criteria: ACMG Guidelines, 2015. Collection method: clinical testing. Allele origin: germline.
Comment: This missense variant replaces serine with tyrosine at codon 1037 of the MYH7 protein. Computational prediction suggests that this variant may have deleterious impact on protein structure and function. To our knowledge, functional studies have not been reported for this variant. This variant has been reported in an individual suspected to be affected with cardiomyopathy or arrhythmia (PMID: 35947370). This variant has been identified in 1/251440 chromosomes in the general population by the Genome Aggregation Database (gnomAD). The available evidence is insufficient to determine the role of this variant in disease conclusively. Therefore, this variant is classified as a Variant of Uncertain Significance.

Labcorp Genetics (formerly Invitae), Labcorp
Classification: Uncertain significance for Hypertrophic cardiomyopathy. Last evaluated: 2024-05-31. Review status: criteria provided, single submitter. Criteria: Invitae Variant Classification Sherloc (09022015). Collection method: clinical testing. Allele origin: germline.
Comment: This sequence change replaces serine, which is neutral and polar, with tyrosine, which is neutral and polar, at codon 1037 of the MYH7 protein (p.Ser1037Tyr). This variant is present in population databases (no rsID available, gnomAD 0.0009%). This variant has not been reported in the literature in individuals affected with MYH7-related conditions. ClinVar contains an entry for this variant (Variation ID: 859133). Advanced modeling of protein sequence and biophysical properties (such as structural, functional, and spatial information, amino acid conservation, physicochemical variation, residue mobility, and thermodynamic stability) performed at Invitae indicates that this missense variant is expected to disrupt MYH7 protein function with a positive predictive value of 95%. In summary, the available evidence is currently insufficient to determine the role of this variant in disease. Therefore, it has been classified as a Variant of Uncertain Significance.

GeneDx
Classification: Uncertain significance. Last evaluated: 2023-05-05. Review status: criteria provided, single submitter. Criteria: GeneDx Variant Classification Process June 2021. Collection method: clinical testing. Allele origin: germline. Affected: yes.
Comment: Not observed at a significant frequency in large population cohorts (gnomAD); In silico analysis, which includes protein predictors and evolutionary conservation, supports a deleterious effect; Has not been previously published as pathogenic or benign to our knowledge

All of Us Research Program, National Institutes of Health
Classification: Uncertain significance for Cardiomyopathy. Last evaluated: 2023-04-27. Review status: criteria provided, single submitter. Criteria: ACMG Guidelines, 2015. Collection method: clinical testing. Allele origin: germline. Inheritance: Autosomal dominant inheritance. Observed: 1 variant allele, 1 heterozygote.
Comment: This study involves interpretation of variants in research participants for the purpose of population health screening. Participant phenotype was not available at the time of variant classification. Additional details can be found in publication PMID: 35346344, PMCID: PMC8962531

Fulgent Genetics
Classification: Uncertain significance for MYH7-related skeletal myopathy; Myosin storage myopathy; Hypertrophic cardiomyopathy 1; Myopathy, myosin storage, autosomal recessive; Congenital myopathy 4A, autosomal dominant; Dilated cardiomyopathy 1S. Last evaluated: 2021-09-08. Review status: criteria provided, single submitter. Criteria: ACMG Guidelines, 2015. Collection method: clinical testing. Allele origin: unknown.

Ambry Genetics
Classification: Uncertain significance for Cardiovascular phenotype. Last evaluated: 2020-11-18. Review status: criteria provided, single submitter. Criteria: Ambry Variant Classification Scheme 2023. Collection method: clinical testing. Allele origin: germline.
Comment: The p.S1037Y variant (also known as c.3110C>A), located in coding exon 23 of the MYH7 gene, results from a C to A substitution at nucleotide position 3110. The serine at codon 1037 is replaced by tyrosine, an amino acid with dissimilar properties. This amino acid position is highly conserved in available vertebrate species. In addition, this alteration is predicted to be deleterious by in silico analysis. Since supporting evidence is limited at this time, the clinical significance of this alteration remains unclear.

Illumina Laboratory Services, Illumina
Classification: Uncertain significance for MYH7-related skeletal myopathy. Last evaluated: 2018-01-12. Review status: criteria provided, single submitter. Criteria: ICSL Variant Classification Criteria 13 December 2019. Collection method: clinical testing. Allele origin: germline.

Illumina Laboratory Services, Illumina
Classification: Uncertain significance for Dilated cardiomyopathy 1S. Last evaluated: 2018-01-12. Review status: criteria provided, single submitter. Criteria: ICSL Variant Classification Criteria 13 December 2019. Collection method: clinical testing. Allele origin: germline.

Illumina Laboratory Services, Illumina
Classification: Uncertain significance for Myosin storage myopathy. Last evaluated: 2018-01-12. Review status: criteria provided, single submitter. Criteria: ICSL Variant Classification Criteria 13 December 2019. Collection method: clinical testing. Allele origin: germline.

Illumina Laboratory Services, Illumina
Classification: Uncertain significance for Hypertrophic cardiomyopathy 1. Last evaluated: 2018-01-12. Review status: criteria provided, single submitter. Criteria: ICSL Variant Classification Criteria 13 December 2019. Collection method: clinical testing. Allele origin: germline.

Literature cited by the submitters: PubMed 35947370 (cited by Color Diagnostics, LLC DBA Color Health).